The following is an entry in ClinVar:

ClinVar aggregate classification (germline): Benign/Likely benign. Review status: criteria provided, multiple submitters, no conflicts (2 of 4 stars). 4 submissions from 4 submitters: Benign (1); Likely benign (3). Last evaluated 2025-09-04.

Conditions:
Hereditary cancer-predisposing syndrome. Also called: Tumor predisposition; Hereditary neoplastic syndrome; Neoplastic Syndromes, Hereditary; Hereditary Cancer Syndrome. Identifiers: Orphanet 140162, MedGen C0027672, MeSH D009386, MONDO:0015356.
Familial cancer of breast. Also called: Hereditary breast cancer; BREAST CANCER, FAMILIAL; hereditary breast carcinoma. Identifiers: Orphanet 227535, MedGen C0346153, MONDO:0016419, OMIM 114480. Disease mechanism: loss of function.
Ataxia-telangiectasia syndrome (AT). Also called: Ataxia-telangiectasia, complementation group D; AT, COMPLEMENTATION GROUP C; ATAXIA-TELANGIECTASIA, COMPLEMENTATION GROUP A; ATAXIA-TELANGIECTASIA, FRESNO VARIANT; Ataxia-telangiectasia; LOUIS-BAR SYNDROME. Identifiers: Orphanet 100, MedGen C0004135, MONDO:0008840, OMIM 208900.

Allele frequency attached by ClinVar (database versions not stated): gnomAD 0.00001; TOPMed 0.00001.
gnomAD v4.1: 1 of 1,613,846 alleles (0.000062%); highest among the groups gnomAD compares: African/African-American, 0.0013%; no homozygotes.

Submissions (4):

Women's Health and Genetics/Laboratory Corporation of America, LabCorp
Classification: Likely benign. Last evaluated: 2025-09-04. Review status: criteria provided, single submitter. Criteria: LabCorp Variant Classification Summary - May 2015. Collection method: clinical testing. Allele origin: germline.

Labcorp Genetics (formerly Invitae), Labcorp
Classification: Likely benign for Ataxia-telangiectasia syndrome. Last evaluated: 2024-09-23. Review status: criteria provided, single submitter. Criteria: Invitae Variant Classification Sherloc (09022015). Collection method: clinical testing. Allele origin: germline.

Myriad Genetics, Inc.
Classification: Benign for Familial cancer of breast. Last evaluated: 2024-06-12. Review status: criteria provided, single submitter. Criteria: Myriad Autosomal Dominant, Autosomal Recessive and X-Linked Classification Criteria (2023). Collection method: clinical testing. Allele origin: unknown.
Comment: This variant is considered benign. This variant is a silent/synonymous amino acid change and it is not expected to impact splicing.

Ambry Genetics
Classification: Likely benign for Hereditary cancer-predisposing syndrome. Last evaluated: 2018-11-12. Review status: criteria provided, single submitter. Criteria: Ambry Variant Classification Scheme 2023. Collection method: clinical testing. Allele origin: germline.

NM_000051.4(ATM):c.7017G>A (p.Arg2339=)

Genes: ATM (ATM serine/threonine kinase; plus strand), C11orf65 (chromosome 11 open reading frame 65; minus strand). Cytogenetic location: 11q22.3.
Variant type: single nucleotide variant.
Coding change: c.7017G>A on transcript NM_000051.4 (MANE Select); coding-DNA position 7017, G replaced by A.
Protein change: p.Arg2339=; no amino-acid change (arginine 2339 retained).
Molecular consequence: synonymous variant. On other transcripts: intron variant (2).
Genome position (GRCh38, 1-based): chr11:108,327,686, G>A. VCF-style: chr11-108327686-G-A. GRCh37 (hg19) VCF-style: chr11-108198413-G-A.
Other names: c.7017G>A, p.Arg2339= (NM_001351834.2); c.641-18615C>T (NM_001330368.2); c.*38+7534C>T (NM_001351110.2).
Identifiers: ClinVar variation 754120 (VCV000754120.17), dbSNP rs1591142466, ClinGen allele CA476676447.